The following is an entry in ClinVar:

NM_002485.5(NBN):c.481-32AT[6]

Gene: NBN (nibrin; minus strand). Cytogenetic location: 8q21.3.
Variant type: Microsatellite.
Coding change: c.481-32AT[6] on transcript NM_002485.5 (MANE Select); six copies in a row of the 2-base unit AT starting at c.481-32; the reference has five copies in a row; one copy, 2 bases duplicated.
Molecular consequence: intron variant.
Genome position (GRCh38, 1-based): chr8:89,978,346-89,978,347, AT duplicated on the plus strand (AT on the coding strand, the reverse complement: NBN is on the minus strand); duplicating any 2 consecutive bases within chr8:89,978,346-89,978,355 gives the same sequence; the position shown is the placement nearest the transcript's 3' end. VCF-style (leftmost placement, unchanged base first): chr8-89978345-A-AAT. GRCh37 (hg19) VCF-style: chr8-90990573-A-AAT.
Other names: c.235-32AT[6] (NM_001024688.3); c.481-24_481-23dupAT (NM_002485.5).
Identifiers: ClinVar variation 3602625 (VCV003602625.1).

ClinVar aggregate classification (germline): Uncertain significance (1 of 4 stars; one submission).

Conditions:
Hereditary cancer-predisposing syndrome. Also called: Tumor predisposition; Hereditary neoplastic syndrome; Neoplastic Syndromes, Hereditary; Hereditary Cancer Syndrome. Identifiers: Orphanet 140162, MedGen C0027672, MeSH D009386, MONDO:0015356.

Submission:

Institute for Biomarker Research, Medical Diagnostic Laboratories, L.L.C.
Classification: Uncertain significance for Hereditary cancer-predisposing syndrome. Last evaluated: 2025-01-27. Review status: criteria provided, single submitter. Criteria: ACMG Guidelines, 2015. Collection method: clinical testing. Allele origin: germline.
Comment: The intron variant NM_002485.5(NBN):c.481-24_481-23dupAT has not been reported previously as a pathogenic variant nor as a benign variant, to our knowledge. Although the variant is present at 0.0000% in gnomAD, it has the flag "AC0" and may not represent the true population frequency. The c.481-24_481-23dupAT variant is novel (not in any individuals) in 1kG. The c.481-24_481-23dupAT variant is not predicted to disrupt an existing splice site. For these reasons, this variant has been classified as Uncertain Significance